The following is an entry in ClinVar:

NM_006949.4(STXBP2):c.914A>G (p.Glu305Gly)

Gene: STXBP2 (syntaxin binding protein 2; plus strand). Cytogenetic location: 19p13.2.
Variant type: single nucleotide variant.
Coding change: c.914A>G on transcript NM_006949.4 (MANE Select); coding-DNA position 914, A replaced by G.
Protein change: p.Glu305Gly; replaces glutamic acid 305 with glycine.
Molecular consequence: missense variant. On other transcripts: non-coding transcript variant (1).
Genome position (GRCh38, 1-based): chr19:7,642,777, A>G. VCF-style: chr19-7642777-A-G. GRCh37 (hg19) VCF-style: chr19-7707663-A-G.
Other names: c.905A>G, p.Glu302Gly (NM_001127396.3); c.947A>G, p.Glu316Gly (NM_001272034.2); short protein forms E305G, E316G, E302G.
Identifiers: ClinVar variation 330552 (VCV000330552.22), dbSNP rs370890802, ClinGen allele CA9143875.

ClinVar aggregate classification (germline): Conflicting classifications of pathogenicity. Review status: criteria provided, conflicting classifications (1 of 4 stars). 5 submissions from 5 submitters: Uncertain significance (3); Likely benign (1). 1 of the submissions does not count toward it. Last evaluated 2026-02-01.

Conditions:
STXBP2-related disorder. Also called: STXBP2-related condition.
Familial hemophagocytic lymphohistiocytosis 5. Also called: STXBP2-Related Familial Hemophagocytic Lymphohistiocytosis (STXBP2-fHLH). Identifiers: Orphanet 540, MedGen C2751293, MONDO:0013135, OMIM 613101.

Allele frequency attached by ClinVar (database versions not stated): gnomAD exomes 0.00013 and 0.00028; gnomAD 0.00014 and 0.00015; TOPMed 0.00014; ESP Exome Variant Server 0.00015; ExAC 0.00027.
gnomAD v4.1: 223 of 1,613,678 alleles (0.014%); highest among the groups gnomAD compares: Admixed American, 0.005%; 1 homozygote.

Submissions (5):

Labcorp Genetics (formerly Invitae), Labcorp
Classification: Likely benign for Familial hemophagocytic lymphohistiocytosis 5. Last evaluated: 2026-02-01. Review status: criteria provided, single submitter. Criteria: Invitae Variant Classification Sherloc (09022015). Collection method: clinical testing. Allele origin: germline.

Blueprint Genetics
Classification: Uncertain significance. Last evaluated: 2024-10-23. Review status: criteria provided, single submitter. Criteria: ACMG Guidelines, 2015. Collection method: clinical testing. Allele origin: germline.

Women's Health and Genetics/Laboratory Corporation of America, LabCorp
Classification: Uncertain significance. Last evaluated: 2023-06-28. Review status: criteria provided, single submitter. Criteria: LabCorp Variant Classification Summary - May 2015. Collection method: clinical testing. Allele origin: germline.
Comment: Variant summary: STXBP2 c.914A>G (p.Glu305Gly) results in a non-conservative amino acid change in the encoded protein sequence. Three of five in-silico tools predict a benign effect of the variant on protein function. The variant allele was found at a frequency of 0.00028 in 250586 control chromosomes (gnomAD). This frequency is not significantly higher than estimated for a pathogenic variant in STXBP2 causing Familial Hemophagocytic Lymphohistiocytosis (0.00028 vs 0.0022), allowing no conclusion about variant significance. To our knowledge, no occurrence of c.914A>G in individuals affected with Familial Hemophagocytic Lymphohistiocytosis and no experimental evidence demonstrating its impact on protein function have been reported. Three ClinVar submitters have assessed the variant since 2014: two classified the variant as uncertain significance and one as likely benign. Based on the evidence outlined above, the variant was classified as uncertain significance.

Genetic Services Laboratory, University of Chicago
Classification: Uncertain significance. Last evaluated: 2021-11-10. Review status: criteria provided, single submitter. Criteria: ACMG Guidelines, 2015. Collection method: clinical testing. Allele origin: germline. Affected: no.
Comment: DNA sequence analysis of the STXBP2 gene demonstrated a sequence change, c.914A>G, in exon 11 that results in an amino acid change, p.Glu305Gly. This sequence change has been described in the gnomAD database with a frequency of 0.55% in the Ashkenazi Jewish subpopulation (dbSNP rs370890802). The p.Glu305Gly change affects a moderately conserved amino acid residue located in a domain of the STXBP2 protein that is known to be functional. The p.Glu305Gly substitution appears to be benign using several in-silico pathogenicity prediction tools (SIFT, PolyPhen2, Align GVGD, REVEL). This sequence change does not appear to have been previously described in individuals with STXBP2-related disorders. Due to insufficient evidences and the lack of functional studies, the clinical significance of the p.Glu305Gly change remains unknown at this time.

PreventionGenetics, part of Exact Sciences
Classification: Likely benign for STXBP2-related condition. Last evaluated: 2023-05-24. Review status: no assertion criteria provided. Collection method: clinical testing. Allele origin: germline. Not counted in ClinVar's aggregate classification.
Comment: This variant is classified as likely benign based on ACMG/AMP sequence variant interpretation guidelines (Richards et al. 2015 PMID: 25741868, with internal and published modifications).